The following is an entry in ClinVar:

ClinVar aggregate classification (germline): Uncertain significance (1 of 4 stars; one submission).

Submission:

Labcorp Genetics (formerly Invitae), Labcorp
Classification: Uncertain significance. Last evaluated: 2024-10-15. Review status: criteria provided, single submitter. Criteria: Invitae Variant Classification Sherloc (09022015). Collection method: clinical testing. Allele origin: germline.
Comment: This sequence change replaces isoleucine, which is neutral and non-polar, with threonine, which is neutral and polar, at codon 78 of the BEST1 protein (p.Ile78Thr). This variant is not present in population databases (gnomAD no frequency). This variant has not been reported in the literature in individuals affected with BEST1-related conditions. ClinVar contains an entry for this variant (Variation ID: 1495676). Invitae Evidence Modeling of protein sequence and biophysical properties (such as structural, functional, and spatial information, amino acid conservation, physicochemical variation, residue mobility, and thermodynamic stability) indicates that this missense variant is expected to disrupt BEST1 protein function with a positive predictive value of 95%. In summary, the available evidence is currently insufficient to determine the role of this variant in disease. Therefore, it has been classified as a Variant of Uncertain Significance.

NM_004183.4(BEST1):c.233T>C (p.Ile78Thr)

Gene: BEST1 (bestrophin 1; plus strand). Cytogenetic location: 11q12.3.
Variant type: single nucleotide variant.
Coding change: c.233T>C on transcript NM_004183.4 (MANE Select); coding-DNA position 233, T replaced by C.
Protein change: p.Ile78Thr; replaces isoleucine 78 with threonine.
Molecular consequence: missense variant. On other transcripts: non-coding transcript variant (1).
Genome position (GRCh38, 1-based): chr11:61,955,187, T>C. VCF-style: chr11-61955187-T-C. GRCh37 (hg19) VCF-style: chr11-61722659-T-C.
Other names: c.53T>C, p.Ile18Thr (NM_001139443.3, NM_001300786.2, NM_001300787.2); c.233T>C, p.Ile78Thr (NM_001363592.2); short protein forms I18T, I78T.
Identifiers: ClinVar variation 1495676 (VCV001495676.8), dbSNP rs2134425906, ClinGen allele CA380833805.